The following is an entry in ClinVar:

ClinVar aggregate classification (germline): Likely benign (1 of 4 stars; one submission).

Conditions:
Ehlers-Danlos syndrome, classic type, 1 (EDSCL1). Also called: EDS I; Ehlers-Danlos syndrome, type 1; EHLERS-DANLOS SYNDROME, GRAVIS TYPE; EHLERS-DANLOS SYNDROME, SEVERE CLASSIC TYPE; Ehlers-Danlos Syndrome, Classic Type, COL5A1-Related. Identifiers: MedGen C0268335, MONDO:0019567, OMIM 130000.

Submission:

MGZ Medical Genetics Center
Classification: Likely benign for Ehlers-Danlos syndrome, classic type, 1. Last evaluated: 2022-08-29. Review status: criteria provided, single submitter. Criteria: ACMG Guidelines, 2015. Collection method: clinical testing. Allele origin: germline. Affected: yes. Observed: 2 variant alleles.
Comment: ACMG criteria applied: PM2_SUP, BS2_SUP, BP4

NM_000093.5(COL5A1):c.67C>G (p.Leu23Val)

Gene: COL5A1 (collagen type V alpha 1 chain; plus strand). Cytogenetic location: 9q34.3.
Variant type: single nucleotide variant.
Coding change: c.67C>G on transcript NM_000093.5 (MANE Select); coding-DNA position 67, C replaced by G.
Protein change: p.Leu23Val; replaces leucine 23 with valine.
Molecular consequence: missense variant.
Genome position (GRCh38, 1-based): chr9:134,642,254, C>G. VCF-style: chr9-134642254-C-G. GRCh37 (hg19) VCF-style: chr9-137534100-C-G.
Other names: c.67C>G, p.Leu23Val (NM_001278074.1); short protein forms L23V.
Identifiers: ClinVar variation 1709782 (VCV001709782.2), dbSNP rs2491093987, ClinGen allele CA375443932.